The following is an entry in ClinVar:

NM_002863.5(PYGL):c.772+1G>A

Gene: PYGL (glycogen phosphorylase L; minus strand). Cytogenetic location: 14q22.1.
Variant type: single nucleotide variant.
Coding change: c.772+1G>A on transcript NM_002863.5 (MANE Select); the canonical splice donor site of the intron after coding-DNA position 772, G replaced by A.
Molecular consequence: splice donor variant.
Genome position (GRCh38, 1-based): chr14:50,920,955, C>T on the plus strand (G>A on the coding strand, the complement: PYGL is on the minus strand). VCF-style: chr14-50920955-C-T. GRCh37 (hg19) VCF-style: chr14-51387673-C-T.
Other names: c.670+1G>A (NM_001163940.2).
Identifiers: ClinVar variation 643804 (VCV000643804.5), dbSNP rs776545903, ClinGen allele CA7183692.

ClinVar aggregate classification (germline): Pathogenic/Likely pathogenic. Review status: criteria provided, multiple submitters, no conflicts (2 of 4 stars). 3 submissions from 3 submitters: Pathogenic (2); Likely pathogenic (1). Last evaluated 2025-05-12.

Conditions:
Glycogen storage disease, type VI (GSD6). Also called: Glycogen storage disease type 6; Hepatic glycogen phosphorylase deficiency; Glycogen storage disease type 6, due to phosphorylation; GSD VI; HERS DISEASE; PHOSPHORYLASE DEFICIENCY GLYCOGEN-STORAGE DISEASE OF LIVER. Identifiers: Orphanet 369, MedGen C0017925, MONDO:0009294, OMIM 232700.
PYGL-related disorder. Also called: PYGL-related condition.

Allele frequency attached by ClinVar (database versions not stated): TOPMed below 0.00001; ExAC 0.00001; gnomAD 0.00001; gnomAD exomes 0.00001.
gnomAD v4.1: 24 of 1,609,050 alleles (0.0015%); highest among the groups gnomAD compares: East Asian, 0.0022%; no homozygotes.

Submissions (3):

PreventionGenetics, part of Exact Sciences
Classification: Pathogenic for PYGL-related condition. Last evaluated: 2025-05-12. Review status: criteria provided, single submitter. Criteria: ACMG Guidelines, 2015. Collection method: clinical testing. Allele origin: germline.
Comment: The PYGL c.772+1G>A variant is predicted to disrupt the GT donor site and interfere with normal splicing. This variant was reported in multiple individuals with glycogen storage disease type 6 (Lu et al. 2020. PubMed ID: 32892177). This variant is reported in 0.0050% of alleles in individuals of East Asian descent in gnomAD. Variants that disrupt the consensus splice donor site in PYGL are expected to be pathogenic. This variant is interpreted as pathogenic.

GeneDx
Classification: Pathogenic. Last evaluated: 2024-08-30. Review status: criteria provided, single submitter. Criteria: GeneDx Variant Classification Process June 2021. Collection method: clinical testing. Allele origin: germline. Affected: yes.
Comment: Canonical splice site variant predicted to result in a null allele in a gene for which loss of function is a known mechanism of disease; Not observed at significant frequency in large population cohorts (gnomAD); This variant is associated with the following publications: (PMID: 33763395, 37895220, 32892177, 37264426)

Labcorp Genetics (formerly Invitae), Labcorp
Classification: Likely pathogenic for Glycogen storage disease, type VI. Last evaluated: 2019-02-28. Review status: criteria provided, single submitter. Criteria: Invitae Variant Classification Sherloc (09022015). Collection method: clinical testing. Allele origin: germline.
Comment: This sequence change affects a donor splice site in intron 6 of the PYGL gene. It is expected to disrupt RNA splicing and likely results in an absent or disrupted protein product. This variant is present in population databases (rs776545903, ExAC 0.01%). This variant has not been reported in the literature in individuals with PYGL-related disease. Algorithms developed to predict the effect of sequence changes on RNA splicing suggest that this variant may disrupt the consensus splice site, but this prediction has not been confirmed by published transcriptional studies. Donor and acceptor splice site variants typically lead to a loss of protein function (PMID: 16199547), and loss-of-function variants in PYGL are known to be pathogenic (PMID: 9536091, 21646031). In summary, the currently available evidence indicates that the variant is pathogenic, but additional data are needed to prove that conclusively. Therefore, this variant has been classified as Likely Pathogenic.

Literature cited by the submitters: PubMed 21646031 (cited by Labcorp Genetics (formerly Invitae), Labcorp); PubMed 9536091 (cited by Labcorp Genetics (formerly Invitae), Labcorp).